The following is an entry in ClinVar:

ClinVar aggregate classification (germline): Benign/Likely benign. Review status: criteria provided, multiple submitters, no conflicts (2 of 4 stars). 4 submissions from 4 submitters: Benign (1); Likely benign (3). Last evaluated 2025-09-21.

Conditions:
Multiple endocrine neoplasia, type 2 (MEN2). Identifiers: Orphanet 653, MedGen C4048306, MONDO:0019003. Disease mechanism: gain of function.
Hereditary cancer-predisposing syndrome. Also called: Tumor predisposition; Hereditary Cancer Syndrome; Neoplastic Syndromes, Hereditary; Hereditary neoplastic syndrome. Identifiers: Orphanet 140162, MedGen C0027672, MeSH D009386, MONDO:0015356.
Multiple endocrine neoplasia type 2A. Also called: Multiple Endocrine Neoplasia Type 2A (MEN2A); MULTIPLE ENDOCRINE NEOPLASIA, TYPE IIA; PTC SYNDROME; SIPPLE SYNDROME; MEN 2A; MEN-2A syndrome. Identifiers: Orphanet 247698, Orphanet 653, MedGen C0025268, MeSH D018813, MONDO:0008234, OMIM 171400.

Allele frequency attached by ClinVar (database versions not stated): TOPMed below 0.00001.

Submissions (4):

Labcorp Genetics (formerly Invitae), Labcorp
Classification: Likely benign for Multiple endocrine neoplasia, type 2. Last evaluated: 2025-09-21. Review status: criteria provided, single submitter. Criteria: Invitae Variant Classification Sherloc (09022015). Collection method: clinical testing. Allele origin: germline.

Myriad Genetics, Inc.
Classification: Benign for Multiple endocrine neoplasia type 2A. Last evaluated: 2025-02-27. Review status: criteria provided, single submitter. Criteria: Myriad Autosomal Dominant, Autosomal Recessive and X-Linked Classification Criteria (2023). Collection method: clinical testing. Allele origin: unknown.
Comment: This variant is considered benign. This variant is a silent/synonymous amino acid change and it is not expected to impact splicing.

All of Us Research Program, National Institutes of Health
Classification: Likely benign for Multiple endocrine neoplasia, type 2. Last evaluated: 2024-04-16. Review status: criteria provided, single submitter. Criteria: ACMG Guidelines, 2015. Collection method: clinical testing. Allele origin: germline. Inheritance: Autosomal dominant inheritance. Observed: 2 variant alleles, 2 heterozygotes.
Comment: This study involves interpretation of variants in research participants for the purpose of population health screening. Participant phenotype was not available at the time of variant classification. Additional details can be found in publication PMID: 35346344, PMCID: PMC8962531

Ambry Genetics
Classification: Likely benign for Hereditary cancer-predisposing syndrome. Last evaluated: 2020-01-16. Review status: criteria provided, single submitter. Criteria: Ambry Variant Classification Scheme 2023. Collection method: clinical testing. Allele origin: germline.

NM_020975.6(RET):c.2721G>A (p.Lys907=)

Gene: RET (ret proto-oncogene; plus strand). Cytogenetic location: 10q11.21.
Variant type: single nucleotide variant.
Coding change: c.2721G>A on transcript NM_020975.6 (MANE Select); coding-DNA position 2721, G replaced by A.
Protein change: p.Lys907=; no amino-acid change (lysine 907 retained).
Molecular consequence: synonymous variant.
Genome position (GRCh38, 1-based): chr10:43,120,194, G>A. VCF-style: chr10-43120194-G-A. GRCh37 (hg19) VCF-style: chr10-43615642-G-A.
Other names: c.2721G>A, p.Lys907= (NM_000323.2, NM_001406743.1, NM_001406744.1 and 4 more transcripts); c.1959G>A, p.Lys653= (NM_001355216.2); c.2592G>A, p.Lys864= (NM_001406761.1, NM_001406762.1, NM_001406764.1); c.2586G>A, p.Lys862= (NM_001406763.1, NM_001406765.1); c.2433G>A, p.Lys811= (NM_001406766.1, NM_001406767.1, NM_001406770.1); c.2457G>A, p.Lys819= (NM_001406768.1); c.2325G>A, p.Lys775= (NM_001406769.1, NM_001406772.1); c.2283G>A, p.Lys761= (NM_001406771.1, NM_001406773.1); and 10 more.
Identifiers: ClinVar variation 1795199 (VCV001795199.10), dbSNP rs1838183276, ClinGen allele CA469029054.